The following is an entry in ClinVar:

NM_004655.4(AXIN2):c.583A>C (p.Ile195Leu)

Gene: AXIN2 (axin 2; minus strand). Cytogenetic location: 17q24.1.
Variant type: single nucleotide variant.
Coding change: c.583A>C on transcript NM_004655.4 (MANE Select); coding-DNA position 583, A replaced by C.
Protein change: p.Ile195Leu; replaces isoleucine 195 with leucine.
Molecular consequence: missense variant.
Genome position (GRCh38, 1-based): chr17:65,558,038, T>G on the plus strand (A>C on the coding strand, the complement: AXIN2 is on the minus strand). VCF-style: chr17-65558038-T-G. GRCh37 (hg19) VCF-style: chr17-63554156-T-G.
Other names: c.583A>C, p.Ile195Leu (NM_001363813.1); short protein forms I195L.
Identifiers: ClinVar variation 2451668 (VCV002451668.2), dbSNP rs2044297799, ClinGen allele CA400680794.
Genomic context (GRCh38, chr17:65,558,038, plus strand): 5'-GTCCCCCATTACTCATGTAAGCTGTGTTTTCTCCCCCACTCCTCACATATTCGAGGTATA[T>G]ATCAGAAGTCAAAAACATCTGGTAGGCATTTTCCTCCATCACCGACTGGATCTCGGTCTG-3'
Protein context (NP_004646.3, residues 185-205): NAYQMFLTSD[Ile195Leu]YLEYVRSGGE

ClinVar aggregate classification (germline): Uncertain significance (1 of 4 stars; one submission).

Conditions:
Hereditary cancer-predisposing syndrome. Also called: Neoplastic Syndromes, Hereditary; Tumor predisposition; Hereditary neoplastic syndrome; Hereditary Cancer Syndrome. Identifiers: Orphanet 140162, MedGen C0027672, MeSH D009386, MONDO:0015356.

Submission:

Ambry Genetics
Classification: Uncertain significance for Hereditary cancer-predisposing syndrome. Last evaluated: 2023-02-12. Review status: criteria provided, single submitter. Criteria: Ambry Variant Classification Scheme 2023. Collection method: clinical testing. Allele origin: germline.
Comment: The p.I195L variant (also known as c.583A>C), located in coding exon 1 of the AXIN2 gene, results from an A to C substitution at nucleotide position 583. The isoleucine at codon 195 is replaced by leucine, an amino acid with highly similar properties. This amino acid position is conserved. In addition, this alteration is predicted to be tolerated by in silico analysis. Since supporting evidence is limited at this time, the clinical significance of this alteration remains unclear.